The following is an entry in ClinVar:

ClinVar aggregate classification (germline): Benign/Likely benign. Review status: criteria provided, multiple submitters, no conflicts (2 of 4 stars). 6 submissions from 6 submitters: Benign (3); Likely benign (3). Last evaluated 2025-10-22.

Conditions:
Maturity-onset diabetes of the young (MODY). Also called: Maturity onset diabetes mellitus in young. Identifiers: Orphanet 552, MedGen C0342276, MONDO:0018911, HP:0004904.
Maturity-onset diabetes of the young type 1. Also called: MODY type 1; Diabetes mellitus MODY type 1; MODY HNF4A related; HNF4A-Related Maturity-Onset Diabetes of the Young Type 1; MODY, type I; MILD JUVENILE DIABETES MELLITUS. Identifiers: Orphanet 552, MedGen C1852093, MONDO:0007452, OMIM 125850. Disease mechanism: loss of function.
Type 2 diabetes mellitus. Also called: Type II diabetes mellitus. Identifiers: MedGen C0011860, MeSH D003924, MONDO:0005148, OMIM 125853, HP:0005978.
Fanconi renotubular syndrome 4 with maturity-onset diabetes of the young (FRTS4). Also called: FRTS4 WITH MODY. Identifiers: Orphanet 93111, MedGen C4014962, MONDO:0014458, OMIM 616026.

Allele frequency attached by ClinVar (database versions not stated): gnomAD exomes 0.00005; ExAC 0.00013; TOPMed 0.00013; gnomAD 0.00019.
gnomAD v4.1: 81 of 1,604,478 alleles (0.005%); highest among the groups gnomAD compares: African/African-American, 0.064%; no homozygotes.

Submissions (6):

Women's Health and Genetics/Laboratory Corporation of America, LabCorp
Classification: Benign. Last evaluated: 2025-10-22. Review status: criteria provided, single submitter. Criteria: LabCorp Variant Classification Summary - May 2015. Collection method: clinical testing. Allele origin: germline.

Labcorp Genetics (formerly Invitae), Labcorp
Classification: Likely benign. Last evaluated: 2025-08-13. Review status: criteria provided, single submitter. Criteria: Invitae Variant Classification Sherloc (09022015). Collection method: clinical testing. Allele origin: germline.

Ambry Genetics
Classification: Likely benign for Maturity-onset diabetes of the young. Last evaluated: 2024-04-05. Review status: criteria provided, single submitter. Criteria: Ambry Variant Classification Scheme 2023. Collection method: clinical testing. Allele origin: germline.

Fulgent Genetics
Classification: Likely benign for Maturity-onset diabetes of the young type 1; Type 2 diabetes mellitus; Fanconi renotubular syndrome 4 with maturity-onset diabetes of the young. Last evaluated: 2022-03-29. Review status: criteria provided, single submitter. Criteria: ACMG Guidelines, 2015. Collection method: clinical testing. Allele origin: unknown.

Athena Diagnostics
Classification: Benign. Last evaluated: 2017-11-06. Review status: criteria provided, single submitter. Criteria: Athena Diagnostics Criteria. Collection method: clinical testing. Allele origin: germline.

Clinical Genomics, Uppaluri K&H Personalized Medicine Clinic
Classification: Benign for Maturity-onset diabetes of the young. Review status: criteria provided, single submitter. Criteria: K & H Uppaluri Personalized Medicine Clinic Variant Classification & Assertion Criteria_Updated V.1. Collection method: research. Allele origin: unknown. Inheritance: Autosomal dominant inheritance.
Comment: Potent mutations in HNF4A are associated with poor insulin secretion in response to hyperglycemia. Associated with MODY1. Patients initially respond well to sulfonylureas but eventually become insulin dependent. However, more evidence is required to ascertain the role of this particular variant rs759574096 in MODY, yet.

Literature cited by the submitters: PubMed 32583173 (cited by Clinical Genomics, Uppaluri K&H Personalized Medicine Clinic); PubMed 35052457 (cited by Clinical Genomics, Uppaluri K&H Personalized Medicine Clinic); PubMed 35118593 (cited by Clinical Genomics, Uppaluri K&H Personalized Medicine Clinic); PubMed 17563455 (cited by Clinical Genomics, Uppaluri K&H Personalized Medicine Clinic); PubMed 18268044 (cited by Clinical Genomics, Uppaluri K&H Personalized Medicine Clinic); DOI 10.1159/000334532 (cited by Clinical Genomics, Uppaluri K&H Personalized Medicine Clinic).

NM_175914.5(HNF4A):c.576C>T (p.Asp192=)

Gene: HNF4A (hepatocyte nuclear factor 4 alpha; plus strand). Cytogenetic location: 20q13.12.
Variant type: single nucleotide variant.
Coding change: c.576C>T on transcript NM_175914.5 (MANE Select); coding-DNA position 576, C replaced by T.
Protein change: p.Asp192=; no amino-acid change (aspartic acid 192 retained).
Molecular consequence: synonymous variant.
Genome position (GRCh38, 1-based): chr20:44,414,656, C>T. VCF-style: chr20-44414656-C-T. GRCh37 (hg19) VCF-style: chr20-43043296-C-T.
Other names: c.642C>T, p.Asp214= (NM_000457.6, NM_178849.3, NM_178850.3); c.576C>T, p.Asp192= (NM_001030003.3, NM_001030004.3); c.621C>T, p.Asp207= (NM_001258355.2); c.567C>T, p.Asp189= (NM_001287182.2, NM_001287183.2, NM_001287184.2); c.576C>T (NM_175914.3).
Identifiers: ClinVar variation 586017 (VCV000586017.12), dbSNP rs759574096, ClinGen allele CA9870299.